The following is an entry in ClinVar:

ClinVar aggregate classification (germline): Likely benign (1 of 4 stars; one submission).

Conditions:
LEPR-related disorder. Also called: LEPR-related disorders; LEPR-related condition.

gnomAD v4.1: 4 of 1,614,112 alleles (0.00025%); highest among the groups gnomAD compares: Admixed American, 0.005%; no homozygotes.

Submission:

PreventionGenetics, part of Exact Sciences
Classification: Likely benign for LEPR-related condition. Last evaluated: 2026-07-28. Review status: criteria provided, single submitter. Criteria: ACMG Guidelines, 2015. Collection method: clinical testing. Allele origin: germline.
Comment: This variant is classified as likely benign based on ACMG/AMP sequence variant interpretation guidelines (Richards et al. 2015 PMID: 25741868, with internal and published modifications).

NM_002303.6(LEPR):c.2013C>T (p.Asp671=)

Genes: LEPR (leptin receptor; plus strand), LOC122094844 (Sharpr-MPRA regulatory region 5730; plus strand). Cytogenetic location: 1p31.3.
Variant type: single nucleotide variant.
Coding change: c.2013C>T on transcript NM_002303.6 (MANE Select); coding-DNA position 2013, C replaced by T.
Protein change: p.Asp671=; no amino-acid change (aspartic acid 671 retained).
Molecular consequence: synonymous variant.
Genome position (GRCh38, 1-based): chr1:65,616,025, C>T. VCF-style: chr1-65616025-C-T. GRCh37 (hg19) VCF-style: chr1-66081708-C-T.
Other names: c.2013C>T, p.Asp671= (NM_001003679.3, NM_001003680.3, NM_001198687.2 and 2 more transcripts).
Identifiers: ClinVar variation 4996464 (VCV004996464.1).